The following is an entry in ClinVar:

ClinVar aggregate classification (germline): Uncertain significance (1 of 4 stars; one submission).

Allele frequency attached by ClinVar (database versions not stated): gnomAD exomes below 0.00001.
gnomAD v4.1: 1 of 1,611,794 alleles (0.000062%); highest among the groups gnomAD compares: Non-Finnish European, 0.000085%; no homozygotes.

Submission:

GeneDx
Classification: Uncertain significance. Last evaluated: 2022-08-22. Review status: criteria provided, single submitter. Criteria: GeneDx Variant Classification Process June 2021. Collection method: clinical testing. Allele origin: germline. Affected: yes.
Comment: Not observed at significant frequency in large population cohorts (gnomAD); In silico analysis supports that this missense variant has a deleterious effect on protein structure/function; Has not been previously published as pathogenic or benign to our knowledge; This variant is associated with the following publications: (PMID: 2121369, 25486365)

NM_001042492.3(NF1):c.2910C>G (p.Asn970Lys)

Gene: NF1 (neurofibromin 1; plus strand). Cytogenetic location: 17q11.2.
Variant type: single nucleotide variant.
Coding change: c.2910C>G on transcript NM_001042492.3 (MANE Select); coding-DNA position 2910, C replaced by G.
Protein change: p.Asn970Lys; replaces asparagine 970 with lysine.
Molecular consequence: missense variant.
Genome position (GRCh38, 1-based): chr17:31,229,894, C>G. VCF-style: chr17-31229894-C-G. GRCh37 (hg19) VCF-style: chr17-29556912-C-G.
Other names: c.2910C>G, p.Asn970Lys (NM_000267.4); short protein forms N970K.
Identifiers: ClinVar variation 2430857 (VCV002430857.1), dbSNP rs2151430641, ClinGen allele CA398986166.
Genomic context (GRCh38, chr17:31,229,894, plus strand): 5'-GGTTTTATTGACTGATACCAATACTCAATTTGTAGAACAAACCATAGCTATAATGAAGAA[C>G]TTGCTAGATAATCATACTGAAGGCAGCTCTGAACATCTAGGGCAAGCTAGCATTGAAACA-3'
Protein context (NP_001035957.1, residues 960-980): FVEQTIAIMK[Asn970Lys]LLDNHTEGSS